The following is an entry in ClinVar:

ClinVar aggregate classification (germline): Uncertain significance. Review status: criteria provided, multiple submitters, no conflicts (2 of 4 stars). 3 submissions from 3 submitters: Uncertain significance (3). Last evaluated 2022-05-18.

Conditions:
Pierson syndrome. Also called: MICROCORIA-CONGENITAL NEPHROTIC SYNDROME. Identifiers: Orphanet 2670, MedGen C1836876, MONDO:0012184, OMIM 609049.
LAMB2-related infantile-onset nephrotic syndrome. Also called: NEPHROTIC SYNDROME, TYPE 5, WITHOUT OCULAR ABNORMALITIES; NEPHROTIC SYNDROME, TYPE 5, WITH OCULAR ABNORMALITIES; Nephrotic Syndrome, type 5. Identifiers: Orphanet 306507, MedGen C3280113, MONDO:0013621, OMIM 614199.

Allele frequency attached by ClinVar (database versions not stated): TOPMed below 0.00001; ExAC 0.00002; gnomAD exomes 0.00002.
gnomAD v4.1: 22 of 1,607,740 alleles (0.0014%); highest among the groups gnomAD compares: Non-Finnish European, 0.0017%; no homozygotes.

Submissions (3):

Fulgent Genetics
Classification: Uncertain significance for Pierson syndrome; LAMB2-related infantile-onset nephrotic syndrome. Last evaluated: 2022-05-18. Review status: criteria provided, single submitter. Criteria: ACMG Guidelines, 2015. Collection method: clinical testing. Allele origin: unknown.

Institute for Clinical Genetics, University Hospital TU Dresden, University Hospital TU Dresden
Classification: Uncertain significance. Last evaluated: 2021-11-03. Review status: criteria provided, single submitter. Criteria: ACMG Guidelines, 2015. Collection method: clinical testing. Allele origin: germline.

Labcorp Genetics (formerly Invitae), Labcorp
Classification: Uncertain significance for LAMB2-related infantile-onset nephrotic syndrome; Pierson syndrome. Last evaluated: 2019-10-03. Review status: criteria provided, single submitter. Criteria: Invitae Variant Classification Sherloc (09022015). Collection method: clinical testing. Allele origin: germline.
Comment: Nucleotide substitutions within the consensus splice site are a relatively common cause of aberrant splicing (PMID: 17576681, 9536098). Algorithms developed to predict the effect of sequence changes on RNA splicing suggest that this variant may disrupt the consensus splice site, but this prediction has not been confirmed by published transcriptional studies. This variant has not been reported in the literature in individuals with LAMB2-related conditions. This variant is present in population databases (rs768311062, ExAC 0.005%). This sequence change falls in intron 11 of the LAMB2 gene. It does not directly change the encoded amino acid sequence of the LAMB2 protein, but it affects a nucleotide within the consensus splice site of the intron. In summary, the available evidence is currently insufficient to determine the role of this variant in disease. Therefore, it has been classified as a Variant of Uncertain Significance.

Literature cited by the submitters: PubMed 17576681 (cited by Labcorp Genetics (formerly Invitae), Labcorp); PubMed 9536098 (cited by Labcorp Genetics (formerly Invitae), Labcorp).

NM_002292.4(LAMB2):c.1518+5G>A

Gene: LAMB2 (laminin subunit beta 2; minus strand). Cytogenetic location: 3p21.31.
Variant type: single nucleotide variant.
Coding change: c.1518+5G>A on transcript NM_002292.4 (MANE Select); 5 bases into the intron after coding-DNA position 1518, G replaced by A.
Molecular consequence: intron variant.
Genome position (GRCh38, 1-based): chr3:49,129,599, C>T on the plus strand (G>A on the coding strand, the complement: LAMB2 is on the minus strand). VCF-style: chr3-49129599-C-T. GRCh37 (hg19) VCF-style: chr3-49167032-C-T.
Identifiers: ClinVar variation 971329 (VCV000971329.10), dbSNP rs768311062, ClinGen allele CA2394579.